The following is an entry in ClinVar:

NM_018979.4(WNK1):c.1235T>C (p.Met412Thr)

Gene: WNK1 (WNK lysine deficient protein kinase 1; plus strand). Cytogenetic location: 12p13.33.
Variant type: single nucleotide variant.
Coding change: c.1235T>C on transcript NM_018979.4 (MANE Select); coding-DNA position 1235, T replaced by C.
Protein change: p.Met412Thr; replaces methionine 412 with threonine.
Molecular consequence: missense variant.
Genome position (GRCh38, 1-based): chr12:830,084, T>C. VCF-style: chr12-830084-T-C. GRCh37 (hg19) VCF-style: chr12-939250-T-C.
Other names: c.1235T>C, p.Met412Thr (NM_001184985.2, NM_014823.3, NM_213655.5); short protein forms M412T.
Identifiers: ClinVar variation 1932824 (VCV001932824.5), dbSNP rs1327616270, ClinGen allele CA383329316.
Genomic context (GRCh38, chr12:830,084, plus strand): 5'-CTGAGATGTATGAGGAGAAATATGATGAATCCGTTGACGTTTATGCTTTTGGGATGTGCA[T>C]GCTTGAGATGGCTACATCTGAATATCCTTACTCGGAGTGCCAAAATGCTGCACAGATCTA-3'
Protein context (NP_061852.3, residues 402-422): SVDVYAFGMC[Met412Thr]LEMATSEYPY

ClinVar aggregate classification (germline): Uncertain significance (1 of 4 stars; one submission).

Conditions:
Neuropathy, hereditary sensory and autonomic, type 2A (HSAN2A). Also called: HSAN IIA; WNK1-Related HSAN2 (HSAN2A); ACROOSTEOLYSIS, GIACCAI TYPE; ACROOSTEOLYSIS, NEUROGENIC; MORVAN DISEASE; NEUROPATHY, CONGENITAL SENSORY. Identifiers: Orphanet 970, MedGen C2752089, MONDO:0024309, OMIM 201300.
Pseudohypoaldosteronism type 2C (PHA2C). Also called: Pseudohypoaldosteronism Type IIC. Identifiers: Orphanet 757, Orphanet 88940, MedGen C1840391, MONDO:0013778, OMIM 614492.

Allele frequency attached by ClinVar (database versions not stated): gnomAD 0.00001; TOPMed 0.00001.
gnomAD v4.1: 2 of 1,614,044 alleles (0.00012%); highest among the groups gnomAD compares: Non-Finnish European, 0.00017%; no homozygotes.

Submission:

Labcorp Genetics (formerly Invitae), Labcorp
Classification: Uncertain significance for Neuropathy, hereditary sensory and autonomic, type 2A; Pseudohypoaldosteronism type 2C. Last evaluated: 2022-02-18. Review status: criteria provided, single submitter. Criteria: Invitae Variant Classification Sherloc (09022015). Collection method: clinical testing. Allele origin: germline.
Comment: In summary, the available evidence is currently insufficient to determine the role of this variant in disease. Therefore, it has been classified as a Variant of Uncertain Significance. Algorithms developed to predict the effect of missense changes on protein structure and function are either unavailable or do not agree on the potential impact of this missense change (SIFT: "Deleterious"; PolyPhen-2: "Not Available"; Align-GVGD: "Class C65"). This variant has not been reported in the literature in individuals affected with WNK1-related conditions. This variant is not present in population databases (gnomAD no frequency). This sequence change replaces methionine, which is neutral and non-polar, with threonine, which is neutral and polar, at codon 412 of the WNK1 protein (p.Met412Thr).